The following is an entry in ClinVar:

NM_000051.4(ATM):c.325A>G (p.Asn109Asp)

Gene: ATM (ATM serine/threonine kinase; plus strand). Cytogenetic location: 11q22.3.
Variant type: single nucleotide variant.
Coding change: c.325A>G on transcript NM_000051.4 (MANE Select); coding-DNA position 325, A replaced by G.
Protein change: p.Asn109Asp; replaces asparagine 109 with aspartic acid.
Molecular consequence: missense variant.
Genome position (GRCh38, 1-based): chr11:108,229,317, A>G. VCF-style: chr11-108229317-A-G. GRCh37 (hg19) VCF-style: chr11-108100044-A-G.
Other names: c.325A>G (NM_000051.3); c.325A>G, p.Asn109Asp (NM_001351834.2, NM_001351835.2, NM_001351836.2); short protein forms N109D.
Identifiers: ClinVar variation 1468698 (VCV001468698.7), dbSNP rs2135038523, ClinGen allele CA382521805.

ClinVar aggregate classification (germline): Uncertain significance. Review status: criteria provided, multiple submitters, no conflicts (2 of 4 stars). 2 submissions from 2 submitters: Uncertain significance (2). Last evaluated 2023-12-11.

Conditions:
Hereditary cancer-predisposing syndrome. Also called: Neoplastic Syndromes, Hereditary; Hereditary Cancer Syndrome; Tumor predisposition; Hereditary neoplastic syndrome. Identifiers: Orphanet 140162, MedGen C0027672, MeSH D009386, MONDO:0015356.
Ataxia-telangiectasia syndrome (AT). Also called: Ataxia-telangiectasia, complementation group D; AT, COMPLEMENTATION GROUP C; Cerebello-oculocutaneous telangiectasia; Immunodeficiency with ataxia telangiectasia; Ataxia-telangiectasia, complementation group E; LOUIS-BAR SYNDROME. Identifiers: Orphanet 100, MedGen C0004135, MONDO:0008840, OMIM 208900.

Submissions (2):

Ambry Genetics
Classification: Uncertain significance for Hereditary cancer-predisposing syndrome. Last evaluated: 2023-12-11. Review status: criteria provided, single submitter. Criteria: Ambry Variant Classification Scheme 2023. Collection method: clinical testing. Allele origin: germline.
Comment: The p.N109D variant (also known as c.325A>G), located in coding exon 3 of the ATM gene, results from an A to G substitution at nucleotide position 325. The asparagine at codon 109 is replaced by aspartic acid, an amino acid with highly similar properties. This amino acid position is conserved. In addition, this alteration is predicted to be tolerated by in silico analysis. Since supporting evidence is limited at this time, the clinical significance of this alteration remains unclear.

Labcorp Genetics (formerly Invitae), Labcorp
Classification: Uncertain significance for Ataxia-telangiectasia syndrome. Last evaluated: 2021-09-25. Review status: criteria provided, single submitter. Criteria: Invitae Variant Classification Sherloc (09022015). Collection method: clinical testing. Allele origin: germline.
Comment: In summary, the available evidence is currently insufficient to determine the role of this variant in disease. Therefore, it has been classified as a Variant of Uncertain Significance. Algorithms developed to predict the effect of sequence changes on RNA splicing suggest that this variant may create or strengthen a splice site. Advanced modeling of protein sequence and biophysical properties (such as structural, functional, and spatial information, amino acid conservation, physicochemical variation, residue mobility, and thermodynamic stability) performed at Invitae indicates that this missense variant is not expected to disrupt ATM protein function. This variant has not been reported in the literature in individuals affected with ATM-related conditions. This variant is not present in population databases (ExAC no frequency). This sequence change replaces asparagine with aspartic acid at codon 109 of the ATM protein (p.Asn109Asp). The asparagine residue is highly conserved and there is a small physicochemical difference between asparagine and aspartic acid.